The following is an entry in ClinVar:

NM_001355436.2(SPTB):c.376C>T (p.Gln126Ter)

Gene: SPTB (spectrin beta, erythrocytic; minus strand). Cytogenetic location: 14q23.3.
Variant type: single nucleotide variant.
Coding change: c.376C>T on transcript NM_001355436.2 (MANE Select); coding-DNA position 376, C replaced by T.
Protein change: p.Gln126Ter; replaces glutamine 126 with a stop codon.
Molecular consequence: nonsense.
Genome position (GRCh38, 1-based): chr14:64,803,705, G>A on the plus strand (C>T on the coding strand, the complement: SPTB is on the minus strand). VCF-style: chr14-64803705-G-A. GRCh37 (hg19) VCF-style: chr14-65270423-G-A.
Other names: c.376C>T, p.Gln126Ter (NM_001024858.4, NM_001355437.2); short protein forms Q126*.
Identifiers: ClinVar variation 3775895 (VCV003775895.1).

ClinVar aggregate classification (germline): Likely pathogenic (1 of 4 stars; one submission).

Conditions:
Hereditary spherocytosis type 2. Also called: SPHEROCYTOSIS, TYPE 2, AUTOSOMAL DOMINANT. Identifiers: Orphanet 822, MedGen C2674219, MONDO:0000913, OMIM 616649.

Submission:

3billion
Classification: Likely pathogenic for Hereditary spherocytosis type 2. Last evaluated: 2024-03-07. Review status: criteria provided, single submitter. Criteria: ACMG Guidelines, 2015. Collection method: clinical testing. Allele origin: germline. Affected: yes.
Comment: The variant is not observed in the gnomAD v2.1.1 dataset. Predicted Consequence/Location: Stop-gained (nonsense): predicted to result in a loss or disruption of normal protein function through nonsense-mediated decay (NMD) or protein truncation. Multiple pathogenic variants are reported downstream of the variant. Therefore, this variant is classified as Likely pathogenic according to the recommendation of ACMG/AMP guideline.